The following is an entry in ClinVar:

NM_002519.3(NPAT):c.3015A>T (p.Lys1005Asn)

Gene: NPAT (nuclear protein, coactivator of histone transcription; minus strand). Cytogenetic location: 11q22.3.
Variant type: single nucleotide variant.
Coding change: c.3015A>T on transcript NM_002519.3 (MANE Select); coding-DNA position 3015, A replaced by T.
Protein change: p.Lys1005Asn; replaces lysine 1005 with asparagine.
Molecular consequence: missense variant.
Genome position (GRCh38, 1-based): chr11:108,162,176, T>A on the plus strand (A>T on the coding strand, the complement: NPAT is on the minus strand). VCF-style: chr11-108162176-T-A. GRCh37 (hg19) VCF-style: chr11-108032903-T-A.
Other names: c.3015A>T, p.Lys1005Asn (NM_001321307.1); short protein forms K1005N.
Identifiers: ClinVar variation 1798840 (VCV001798840.2), dbSNP rs2077858747, ClinGen allele CA382511725.
Genomic context (GRCh38, chr11:108,162,176, plus strand): 5'-TCACTTTTGTGCATGACATCCAACTGAATGACCTGACGAATCCACCAAATTATTTACTTG[T>A]TTTCCTGAAATTATAAATGAACATTCCTGAGAAAAAGAATATACTCCTCTGAAAGAGGAT-3'
Protein context (NP_002510.2, residues 995-1015): QGLRNKPCIG[Lys1005Asn]QVNNLVDSSG

ClinVar aggregate classification (germline): Uncertain significance (1 of 4 stars; one submission).

gnomAD v4.1: 3 of 1,613,234 alleles (0.00019%); highest among the groups gnomAD compares: Non-Finnish European, 0.00025%; no homozygotes.

Submission:

Ambry Genetics
Classification: Uncertain significance. Last evaluated: 2021-07-16. Review status: criteria provided, single submitter. Criteria: Ambry Variant Classification Scheme 2023. Collection method: clinical testing. Allele origin: germline.
Comment: The p.K1005N variant (also known as c.3015A>T), located in coding exon 16 of the NPAT gene, results from an A to T substitution at nucleotide position 3015. The lysine at codon 1005 is replaced by asparagine, an amino acid with similar properties. This amino acid position is conserved. In addition, this alteration is predicted to be tolerated by in silico analysis. Since supporting evidence is limited at this time, the clinical significance of this alteration remains unclear.